The following is an entry in ClinVar:

NM_001079866.2(BCS1L):c.232A>G (p.Ser78Gly)

Gene: BCS1L (BCS1 ubiquinol-cytochrome c reductase complex chaperone; plus strand). Cytogenetic location: 2q35.
Variant type: single nucleotide variant.
Coding change: c.232A>G on transcript NM_001079866.2 (MANE Select); coding-DNA position 232, A replaced by G.
Protein change: p.Ser78Gly; replaces serine 78 with glycine.
Molecular consequence: missense variant. On other transcripts: 5 prime UTR variant (5), non-coding transcript variant (1), intron variant (3).
Genome position (GRCh38, 1-based): chr2:218,661,219, A>G. VCF-style: chr2-218661219-A-G. GRCh37 (hg19) VCF-style: chr2-219525942-A-G.
Other names: c.232A>G, p.Ser78Gly (NM_001257342.2, NM_001257343.2, NM_001257344.2 and 10 more transcripts); c.-245A>G (NM_001371453.1, NM_001371454.1, NM_001371455.1 and 2 more transcripts); c.-40-187A>G (NM_001371451.1, NM_001318836.2); c.-41-540A>G (NM_001371452.1); short protein forms S78G.
Identifiers: ClinVar variation 6167 (VCV000006167.64), dbSNP rs28937590, ClinGen allele CA118004.
Genomic context (GRCh38, chr2:218,661,219, plus strand): 5'-AGGAGCTATGCCTGGTTGCTTAGCTGGCTCACCCGCCACAGTACCCGTACTCAGCACCTC[A>G]GTGTCGAGACTTCGTACCTTCAGCATGAGAGTGGCCGCATTTCCACTAAGTTTGAATTTG-3'
Protein context (NP_001073335.1, residues 68-88): TRHSTRTQHL[Ser78Gly]VETSYLQHES

ClinVar aggregate classification (germline): Pathogenic. Review status: criteria provided, multiple submitters, no conflicts (2 of 4 stars). 17 submissions from 16 submitters: Pathogenic (14). 3 of the submissions do not count toward it. Last evaluated 2025-10-25.

Conditions:
BCS1L-related disorder. Also called: BCS1L-related disorders; BCS1L-related condition. Identifiers: MedGen CN239240.
Mitochondrial complex III deficiency nuclear type 1. Identifiers: Orphanet 254902, MedGen C3541471, MONDO:0007415, OMIM 124000.
GRACILE syndrome (FLNMS). Also called: FELLMAN SYNDROME; FINNISH LETHAL NEONATAL METABOLIC SYNDROME. Identifiers: Orphanet 53693, MedGen C1864002, MONDO:0011308, OMIM 603358.
Pili torti-deafness syndrome (BJS). Also called: PILI TORTI AND NERVE DEAFNESS; Bjornstad syndrome. Identifiers: Orphanet 123, MedGen C0266006, MONDO:0009872, OMIM 262000.

Allele frequency attached by ClinVar (database versions not stated): TOPMed 0.00005; 1000 Genomes Project 30x 0.00016; 1000 Genomes Project 0.00020; gnomAD exomes 0.00026 and 0.00047; ExAC 0.00039; gnomAD 0.00040 and 0.00042.

Submissions (17):

Labcorp Genetics (formerly Invitae), Labcorp
Classification: Pathogenic. Last evaluated: 2025-10-25. Review status: criteria provided, single submitter. Criteria: Invitae Variant Classification Sherloc (09022015). Collection method: clinical testing. Allele origin: germline.
Comment: This sequence change replaces serine, which is neutral and polar, with glycine, which is neutral and non-polar, at codon 78 of the BCS1L protein (p.Ser78Gly). This variant is present in population databases (rs28937590, gnomAD 0.4%), and has an allele count higher than expected for a pathogenic variant. This missense change has been observed in individuals with clinical features of BCS1L-related conditions (PMID: 12215968, 12547234, 18386115, 19508421). It is commonly reported in individuals of Finnish ancestry (PMID: 12215968). ClinVar contains an entry for this variant (Variation ID: 6167). Invitae Evidence Modeling of protein sequence and biophysical properties (such as structural, functional, and spatial information, amino acid conservation, physicochemical variation, residue mobility, and thermodynamic stability) has been performed for this missense variant. However, the output from this modeling did not meet the statistical confidence thresholds required to predict the impact of this variant on BCS1L protein function. Experimental studies have shown that this missense change affects BCS1L function (PMID: 12215968, 21274865). For these reasons, this variant has been classified as Pathogenic.

PreventionGenetics, part of Exact Sciences
Classification: Pathogenic for BCS1L-related condition. Last evaluated: 2025-03-11. Review status: criteria provided, single submitter. Criteria: ACMG Guidelines, 2015. Collection method: clinical testing. Allele origin: germline.
Comment: The BCS1L c.232A>G variant is predicted to result in the amino acid substitution p.Ser78Gly. This variant has been reported in the homozygous and compound heterozygous state in individuals with GRACILE syndrome (see, for example, Visapää et al. 2002. PubMed ID: 12215968 and Fellman et al. 2008. PubMed ID: 18386115). Transgenic mice homozygous for the p.Ser78Gly variant resemble the human syndrome with features including hepatopathy with progressive complex III deficiency and short lifespan (see for example Kotarsky et al. 2012. PubMed ID: 22829922). This variant is reported in 0.41% of alleles in individuals of European (Finnish) descent in gnomAD and is interpreted as pathogenic by multiple laboratories in ClinVar. Based on the available evidence, this variant is interpreted as pathogenic.

Laboratory of Genetics, Children's Clinical University Hospital Latvia
Classification: Pathogenic. Last evaluated: 2025-02-16. Review status: criteria provided, single submitter. Criteria: ACMG Guidelines, 2015. Collection method: clinical testing. Allele origin: germline. Affected: yes.

Natera, Inc.
Classification: Pathogenic for GRACILE syndrome. Last evaluated: 2024-11-30. Review status: criteria provided, single submitter. Criteria: Natera Variant Classification Schema (03/2026). Collection method: clinical testing. Allele origin: germline.
Comment: The c.232A>G variant in BCS1L is a missense variant predicted to cause substitution of serine to glycine at amino acid 78. This variant is rare in the general population with a frequency below the threshold expected for the associated phenotype(s). This variant has been observed in one or more individuals affected with the associated recessive disease, as either homozygous or compound heterozygous with a second variant (PMID: 18386115). Additionally, this variant has been observed to segregate in affected family members (PMID: 18386115). Functional studies show that this variant may disrupt protein function (PMID: 22829922). Computational prediction algorithms indicate this variant is likely to affect gene or protein function. Given the available evidence, this variant is classified as Pathogenic.

Blueprint Genetics
Classification: Pathogenic for BCS1L-related disorders. Last evaluated: 2024-11-19. Review status: criteria provided, single submitter. Criteria: ACMG Guidelines, 2015. Collection method: clinical testing. Allele origin: germline. Affected: yes. Observed: 5 variant alleles.

Fulgent Genetics
Classification: Pathogenic for Mitochondrial complex III deficiency nuclear type 1; Pili torti-deafness syndrome; GRACILE syndrome. Last evaluated: 2024-05-09. Review status: criteria provided, single submitter. Criteria: ACMG Guidelines, 2015. Collection method: clinical testing. Allele origin: germline.

Baylor Genetics
Classification: Pathogenic for Pili torti-deafness syndrome. Last evaluated: 2023-12-24. Review status: criteria provided, single submitter. Criteria: ACMG Guidelines, 2015. Collection method: clinical testing. Allele origin: unknown.

GeneDx
Classification: Pathogenic. Last evaluated: 2022-12-09. Review status: criteria provided, single submitter. Criteria: GeneDx Variant Classification Process June 2021. Collection method: clinical testing. Allele origin: germline. Affected: yes.
Comment: Functional studies demonstrate that S78G is associated with decreased stability of the BCS1L protein (Visapaa et al., 2002); Transgenic mice with homozygosity for the S78G variant demonstrate decreased BCS1L expression and decreased Rieske iron-sulfur protein incorporation into complex III (Davoudi et al., 2014); This variant is associated with the following publications: (PMID: 21274865, 27997587, 29782205, 28424480, 30530468, 22829922, 18386115, 31980526, 12547234, 27809283, 32637629, 34662929, 24466228, 12215968)

Institute of Human Genetics Munich, TUM University Hospital
Classification: Pathogenic for Mitochondrial complex III deficiency nuclear type 1. Last evaluated: 2022-10-14. Review status: criteria provided, single submitter. Criteria: Classification criteria August 2017. Collection method: clinical testing. Allele origin: inherited, germline. Inheritance: Autosomal recessive inheritance. Affected: yes. Observed: 2 variant alleles.

CeGaT Center for Human Genetics Tuebingen
Classification: Pathogenic. Last evaluated: 2021-10-01. Review status: criteria provided, single submitter. Criteria: CeGaT Center For Human Genetics Tuebingen Variant Classification Criteria Version 2. Collection method: clinical testing. Allele origin: germline. Affected: yes. Observed: 1 variant allele.

Myriad Genetics, Inc.
Classification: Pathogenic for GRACILE syndrome. Last evaluated: 2019-12-09. Review status: criteria provided, single submitter. Criteria: Myriad Women's Health Autosomal Recessive and X-Linked Classification Criteria (2019). Collection method: clinical testing. Allele origin: unknown.
Comment: NM_004328.4(BCS1L):c.232A>G(S78G) is classified as pathogenic in the context of BCS1L-related disorders. Sources cited for classification include the following: PMID 12215968 and 21274865. Classification of NM_004328.4(BCS1L):c.232A>G(S78G) is based on the following criteria: This is a well-established pathogenic variant in the literature that has been observed more frequently in patients with clinical diagnoses than in healthy populations. Please note: this variant was assessed in the context of healthy population screening.

Women's Health and Genetics/Laboratory Corporation of America, LabCorp
Classification: Pathogenic for GRACILE syndrome. Last evaluated: 2016-07-14. Review status: criteria provided, single submitter. Criteria: LabCorp Variant Classification Summary - May 2015. Collection method: clinical testing. Allele origin: germline.
Comment: Variant summary: The BCS1L c.232A>G (p.Ser78Gly) variant involves the alteration of a conserved nucleotide. 4/4 in silico tools predict a damaging outcome for this variant (SNPs&GO not captured due to low reliability index). This variant was found in 48/122498 control chromosomes at a frequency of 0.0003918, which does not exceed the estimated maximal expected allele frequency of a pathogenic BCS1L variant (0.0004725). Homozygotes of this variant have been reported exclusively in Finnish patients with GRACILE syndrome. In addition, multiple clinical diagnostic laboratories/reputable databases classified this variant as pathogenic. Taken together, this variant is classified as pathogenic.

Courtagen Diagnostics Laboratory, Courtagen Life Sciences
Classification: Pathogenic for GRACILE syndrome. Last evaluated: 2014-09-26. Review status: criteria provided, single submitter. Criteria: Courtagen Life Sciences Classifications. Collection method: clinical testing. Allele origin: germline.

Baylor Genetics
Classification: Pathogenic for GRACILE syndrome. Review status: criteria provided, single submitter. Criteria: ACMG Guidelines, 2015. Collection method: clinical testing. Allele origin: germline.

Laboratory of Molecular Genetics (Pr. Bezieau's lab), CHU de Nantes
Classification: Pathogenic. Last evaluated: 2016-03-08. Review status: no assertion criteria provided. Collection method: clinical testing. Allele origin: germline. Affected: yes. Not counted in ClinVar's aggregate classification.

Counsyl
Classification: Pathogenic for Mitochondrial complex III deficiency nuclear type 1. Last evaluated: 2015-07-21. Review status: no assertion criteria provided. Collection method: clinical testing. Allele origin: unknown. Not counted in ClinVar's aggregate classification.

OMIM
Classification: Pathogenic for GRACILE SYNDROME. Last evaluated: 2002-10-01. Review status: no assertion criteria provided. Collection method: literature only. Allele origin: germline. Not counted in ClinVar's aggregate classification.

Literature cited by the submitters: PubMed 12215968 (cited by 5 submitters); PubMed 12547234 (cited by Labcorp Genetics (formerly Invitae), Labcorp); PubMed 18386115 (cited by Labcorp Genetics (formerly Invitae), Labcorp and Natera, Inc.); PubMed 19508421 (cited by Labcorp Genetics (formerly Invitae), Labcorp); PubMed 21274865 (cited by 3 submitters); PubMed 22829922 (cited by Natera, Inc.); PubMed 25914718 (cited by Women's Health and Genetics/Laboratory Corporation of America, LabCorp); PubMed 11528392 (cited by OMIM).